The following is an entry in ClinVar:

NM_005263.5(GFI1):c.251C>A (p.Ser84Ter)

Gene: GFI1 (growth factor independent 1 transcriptional repressor; minus strand). Cytogenetic location: 1p22.1.
Variant type: single nucleotide variant.
Coding change: c.251C>A on transcript NM_005263.5 (MANE Select); coding-DNA position 251, C replaced by A.
Protein change: p.Ser84Ter; replaces serine 84 with a stop codon.
Molecular consequence: nonsense.
Genome position (GRCh38, 1-based): chr1:92,482,911, G>T on the plus strand (C>A on the coding strand, the complement: GFI1 is on the minus strand). VCF-style: chr1-92482911-G-T. GRCh37 (hg19) VCF-style: chr1-92948468-G-T.
Other names: c.251C>A, p.Ser84Ter (NM_001127215.3, NM_001127216.3); short protein forms S84*.
Identifiers: ClinVar variation 2841114 (VCV002841114.3), dbSNP rs2524738120, ClinGen allele CA341150376.

ClinVar aggregate classification (germline): Uncertain significance (1 of 4 stars; one submission).

Conditions:
Neutropenia, severe congenital, 2, autosomal dominant. Identifiers: Orphanet 486, MedGen C2751288, MONDO:0013139, OMIM 613107.

Submission:

Labcorp Genetics (formerly Invitae), Labcorp
Classification: Uncertain significance for Neutropenia, severe congenital, 2, autosomal dominant. Last evaluated: 2023-02-26. Review status: criteria provided, single submitter. Criteria: Invitae Variant Classification Sherloc (09022015). Collection method: clinical testing. Allele origin: germline.
Comment: This variant has not been reported in the literature in individuals affected with GFI1-related conditions. In summary, the available evidence is currently insufficient to determine the role of this variant in disease. Therefore, it has been classified as a Variant of Uncertain Significance. This variant is not present in population databases (gnomAD no frequency). This sequence change creates a premature translational stop signal (p.Ser84*) in the GFI1 gene. It is expected to result in an absent or disrupted protein product. However, the current clinical and genetic evidence is not sufficient to establish whether loss-of-function variants in GFI1 cause disease.